The following is an entry in ClinVar:

ClinVar aggregate classification (germline): Likely benign. Review status: reviewed by expert panel (3 of 4 stars). 16 submissions from 15 submitters: Likely benign (1). 15 of the submissions do not count toward it. Last evaluated 2017-04-03.

Conditions:
SOS1-related disorder. Also called: SOS1-related condition.
Noonan syndrome and Noonan-related syndrome. Identifiers: Orphanet 98733, MedGen C5681679, MONDO:0020297.
Cardiovascular phenotype. Identifiers: MedGen CN230736.
RASopathy. Also called: rasopathies; Noonan spectrum disorder. Identifiers: Orphanet 536391, MedGen C5555857, MONDO:0021060.
Noonan syndrome 4 (NS4). Also called: NOONAN SYNDROME WITH PIGMENTED VILLONODULAR SYNOVITIS; SOS1-Related Noonan Syndrome. Identifiers: Orphanet 648, MedGen C1853120, MONDO:0012547, OMIM 610733.
Fibromatosis, gingival, 1 (GINGF1). Identifiers: Orphanet 2024, MedGen C4551558, MONDO:0007609, OMIM 135300.

Allele frequency attached by ClinVar (database versions not stated): TOPMed 0.00011; gnomAD exomes 0.00013; ESP Exome Variant Server 0.00015; gnomAD 0.00015 and 0.00016; ExAC 0.00017.
gnomAD v4.1: 417 of 1,610,588 alleles (0.026%); highest among the groups gnomAD compares: Non-Finnish European, 0.032%; no homozygotes.

Submissions (16):

ClinGen RASopathy Variant Curation Expert Panel
Classification: Likely benign for Noonan syndrome and Noonan-related syndrome. Last evaluated: 2017-04-03. Review status: reviewed by expert panel. Criteria: ClinGen RASopathy ACMG Specifications v1. Collection method: curation. Allele origin: germline. Inheritance: Autosomal dominant inheritance.
Comment: The c.109A>G (p.Thr37Ala) variant did not segregate with disease in affected family members (BS4; Partners LMM internal data; GTR Lab ID: 21766; ClinVar SCV000062187.5). This variant has been identified in a patient with an alternate molecular basis for disease (BP5; Partners LMM internal data; GTR Lab ID: 21766; ClinVar SCV000062187.5). Computational prediction tools and conservation analysis suggest that the p.Thr37Ala variant does not impact the protein (BP4). In summary, this variant meets criteria to be classified as likely benign. RASopathy-specific ACMG/AMP criteria applied (PMID:29493581): BS4, BP5, BP4.

Women's Health and Genetics/Laboratory Corporation of America, LabCorp
Classification: Likely benign. Last evaluated: 2026-04-06. Review status: criteria provided, single submitter. Criteria: LabCorp Variant Classification Summary - May 2015. Collection method: clinical testing. Allele origin: germline. Not counted in ClinVar's aggregate classification.
Comment: Variant summary: SOS1 c.109A>G (p.Thr37Ala) results in a non-conservative amino acid change in the encoded protein sequence. Algorithms developed to predict the effect of missense changes on protein structure and function are either unavailable or do not agree on the potential impact of this missense change. The variant allele was found at a frequency of 0.00013 in 251398 control chromosomes. The observed variant frequency exceeds the estimated maximal expected allele frequency for disease-causing variants in SOS1. c.109A>G has been observed in the presumed heterozygous state in at least 1 individual(s) affected with Noonan Syndrome (example, Lepri_2011) without strong evidence for causality. These report(s) do not provide unequivocal conclusions about association of the variant with Noonan Syndrome. At least one publication reports experimental evidence evaluating an impact on protein function in vitro. These results showed no damaging effect of this variant (example, Smith_2013). The following publications have been ascertained in the context of this evaluation (PMID: 21387466, 23487764). ClinVar contains an entry for this variant (Variation ID: 40641). Based on the evidence outlined above, the variant was classified as likely benign.

Labcorp Genetics (formerly Invitae), Labcorp
Classification: Likely benign for RASopathy. Last evaluated: 2026-01-10. Review status: criteria provided, single submitter. Criteria: Invitae Variant Classification Sherloc (09022015). Collection method: clinical testing. Allele origin: germline. Not counted in ClinVar's aggregate classification.

Blueprint Genetics
Classification: Likely benign. Last evaluated: 2024-07-26. Review status: criteria provided, single submitter. Criteria: ACMG Guidelines, 2015. Collection method: clinical testing. Allele origin: germline. Not counted in ClinVar's aggregate classification.

CeGaT Center for Human Genetics Tuebingen
Classification: Likely benign. Last evaluated: 2024-01-01. Review status: criteria provided, single submitter. Criteria: CeGaT Center For Human Genetics Tuebingen Variant Classification Criteria Version 2. Collection method: clinical testing. Allele origin: germline. Affected: yes. Observed: 1 variant allele. Not counted in ClinVar's aggregate classification.
Comment: SOS1: BP4

ARUP Laboratories, Molecular Genetics and Genomics, ARUP Laboratories
Classification: Likely benign. Last evaluated: 2023-06-15. Review status: criteria provided, single submitter. Criteria: ARUP Molecular Germline Variant Investigation Process 2024. Collection method: clinical testing. Allele origin: germline. Not counted in ClinVar's aggregate classification.

Ambry Genetics
Classification: Likely benign for Cardiovascular phenotype. Last evaluated: 2021-01-05. Review status: criteria provided, single submitter. Criteria: Ambry Variant Classification Scheme 2023. Collection method: clinical testing. Allele origin: germline. Not counted in ClinVar's aggregate classification.

Genome Diagnostics Laboratory, The Hospital for Sick Children
Classification: Likely benign for Noonan syndrome and Noonan-related syndrome. Last evaluated: 2020-01-01. Review status: criteria provided, single submitter. Criteria: ACMG Guidelines, 2015. Collection method: clinical testing. Allele origin: germline. Not counted in ClinVar's aggregate classification.

GeneDx
Classification: Benign. Last evaluated: 2019-01-08. Review status: criteria provided, single submitter. Criteria: GeneDx Variant Classification Process June 2021. Collection method: clinical testing. Allele origin: germline. Affected: yes. Not counted in ClinVar's aggregate classification.
Comment: This variant is associated with the following publications: (PMID: 23487764, 21387466)

Laboratory for Molecular Medicine, Mass General Brigham Personalized Medicine
Classification: Benign. Last evaluated: 2018-02-28. Review status: criteria provided, single submitter. Criteria: LMM Criteria. Collection method: clinical testing. Allele origin: germline. Observed: 4 variant alleles. Not counted in ClinVar's aggregate classification.
Comment: p.Thr37Ala in exon 2 of SOS1: This variant is not expected to have clinical sig nificance because it has been identified in 0.026% (34/126670) of European chrom osomes by the Genome Aggregation Database (gnomAD .org; dbSNP rs150565592). In addition, i n another family, it was identified in only one of two siblings with a clinical diagnosis of Noonan syndrome. ACMG/AMP Criteria applied: BS1, BS2, BP4, BP5.

Illumina Laboratory Services, Illumina
Classification: Benign for Fibromatosis, gingival, 1. Last evaluated: 2017-04-28. Review status: criteria provided, single submitter. Criteria: ICSL Variant Classification Criteria 13 December 2019. Collection method: clinical testing. Allele origin: germline. Not counted in ClinVar's aggregate classification.
Comment: This variant was observed as part of a predisposition screen in an ostensibly healthy population. A literature search was performed for the gene, cDNA change, and amino acid change (where applicable). No publications were found based on this search. Allele frequency data from public databases was too high to be consistent with this variant causing disease. Therefore, this variant is classified as benign.

Illumina Laboratory Services, Illumina
Classification: Uncertain significance for Noonan syndrome 4. Last evaluated: 2017-04-28. Review status: criteria provided, single submitter. Criteria: ICSL Variant Classification Criteria 13 December 2019. Collection method: clinical testing. Allele origin: germline. Not counted in ClinVar's aggregate classification.
Comment: This variant was observed as part of a predisposition screen in an ostensibly healthy population. A literature search was performed for the gene, cDNA change, and amino acid change (where applicable). Publications were found based on this search. However, the evidence from the literature, in combination with allele frequency data from public databases where available, was not sufficient to rule this variant in or out of causing disease. Therefore, this variant is classified as a variant of unknown significance.

Eurofins Ntd Llc (ga)
Classification: Likely benign. Last evaluated: 2016-04-19. Review status: criteria provided, single submitter. Criteria: EGL Classification Definitions 2015. Collection method: clinical testing. Allele origin: germline. Observed: 2 variant alleles, 2 heterozygotes. Not counted in ClinVar's aggregate classification.

PreventionGenetics, part of Exact Sciences
Classification: Likely benign for SOS1-related condition. Last evaluated: 2020-08-27. Review status: no assertion criteria provided. Collection method: clinical testing. Allele origin: germline. Not counted in ClinVar's aggregate classification.
Comment: This variant is classified as likely benign based on ACMG/AMP sequence variant interpretation guidelines (Richards et al. 2015 PMID: 25741868, with internal and published modifications).

Clinical Genetics DNA and cytogenetics Diagnostics Lab, Erasmus MC, Erasmus Medical Center
Classification: Likely benign. Review status: no assertion criteria provided. Collection method: clinical testing. Allele origin: germline. Affected: yes. Study: VKGL Data-share Consensus. Not counted in ClinVar's aggregate classification.

Joint Genome Diagnostic Labs from Nijmegen and Maastricht, Radboudumc and MUMC+
Classification: Likely benign. Review status: no assertion criteria provided. Collection method: clinical testing. Allele origin: germline. Affected: yes. Study: VKGL Data-share Consensus. Not counted in ClinVar's aggregate classification.

Literature cited by the submitters: PubMed 21387466 (cited by 3 submitters); PubMed 23487764 (cited by Women's Health and Genetics/Laboratory Corporation of America, LabCorp and Illumina Laboratory Services, Illumina).

NM_005633.4(SOS1):c.109A>G (p.Thr37Ala)

Gene: SOS1 (SOS Ras/Rac guanine nucleotide exchange factor 1; minus strand). Cytogenetic location: 2p22.1.
Variant type: single nucleotide variant.
Coding change: c.109A>G on transcript NM_005633.4 (MANE Select); coding-DNA position 109, A replaced by G.
Protein change: p.Thr37Ala; replaces threonine 37 with alanine.
Molecular consequence: missense variant.
Genome position (GRCh38, 1-based): chr2:39,067,732, T>C on the plus strand (A>G on the coding strand, the complement: SOS1 is on the minus strand). VCF-style: chr2-39067732-T-C. GRCh37 (hg19) VCF-style: chr2-39294873-T-C.
Other names: p.T37A:ACT>GCT; NM_005633.3(SOS1):c.109A>G; c.88A>G, p.Thr30Ala (NM_001382394.1); c.109A>G, p.Thr37Ala (NM_001382395.1); short protein forms T37A, T30A.
Identifiers: ClinVar variation 40641 (VCV000040641.57), dbSNP rs150565592, ClinGen allele CA136074.
Genomic context (GRCh38, chr2:39,067,732, plus strand): 5'-TTAATAATTGCAAAATTAATTCTTCAACATACTGAAGAGCATCATCATTAGACTCGAGAG[T>C]AGGATGAACTTGCCCCTGGACCTATAAACAAAAAGCAAAGTAATTAAAATGTGGGTTCCA-3'
Protein context (NP_005624.2, residues 27-47): LKKVQGQVHP[Thr37Ala]LESNDDALQY